The following is an entry in ClinVar:

ClinVar aggregate classification (germline): Likely pathogenic (1 of 4 stars; one submission).

Submission:

Labcorp Genetics (formerly Invitae), Labcorp
Classification: Likely pathogenic. Last evaluated: 2024-10-10. Review status: criteria provided, single submitter. Criteria: Invitae Variant Classification Sherloc (09022015). Collection method: clinical testing. Allele origin: germline.
Comment: This sequence change replaces glycine, which is neutral and non-polar, with arginine, which is basic and polar, at codon 588 of the COL2A1 protein (p.Gly588Arg). This variant is not present in population databases (gnomAD no frequency). This variant has not been reported in the literature in individuals affected with COL2A1-related conditions. Invitae Evidence Modeling of protein sequence and biophysical properties (such as structural, functional, and spatial information, amino acid conservation, physicochemical variation, residue mobility, and thermodynamic stability) indicates that this missense variant is expected to disrupt COL2A1 protein function with a positive predictive value of 95%. This variant disrupts the triple helix domain of COL2A1. Glycine residues within the Gly-Xaa-Yaa repeats of the triple helix domain are required for the structure and stability of fibrillar collagens (PMID: 7695699, 8218237, 19344236). In COL2A1, variants affecting these glycine residues are significantly enriched in individuals with disease (PMID: 9016532, 17078022) compared to the general population (ExAC). In summary, the currently available evidence indicates that the variant is pathogenic, but additional data are needed to prove that conclusively. Therefore, this variant has been classified as Likely Pathogenic.

Literature cited by the submitters: PubMed 7695699; PubMed 8218237; PubMed 19344236; PubMed 9016532; PubMed 17078022.

NM_001844.5(COL2A1):c.1762G>C (p.Gly588Arg)

Gene: COL2A1 (collagen type II alpha 1 chain; minus strand). Cytogenetic location: 12q13.11.
Variant type: single nucleotide variant.
Coding change: c.1762G>C on transcript NM_001844.5 (MANE Select); coding-DNA position 1762, G replaced by C.
Protein change: p.Gly588Arg; replaces glycine 588 with arginine.
Molecular consequence: missense variant.
Genome position (GRCh38, 1-based): chr12:47,985,066, C>G on the plus strand (G>C on the coding strand, the complement: COL2A1 is on the minus strand). VCF-style: chr12-47985066-C-G. GRCh37 (hg19) VCF-style: chr12-48378849-C-G.
Other names: c.1555G>C, p.Gly519Arg (NM_033150.3); short protein forms G519R, G588R.
Identifiers: ClinVar variation 3661804 (VCV003661804.2).